The following is an entry in ClinVar:

ClinVar aggregate classification (germline): Uncertain significance (1 of 4 stars; one submission).

Conditions:
Very long chain acyl-CoA dehydrogenase deficiency (ACADVLD). Also called: Very Long-Chain Acyl-Coenzyme A Dehydrogenase Deficiency; VLCAD Deficiency. Identifiers: Orphanet 26793, MedGen C3887523, MONDO:0008723, OMIM 201475.

Allele frequency attached by ClinVar (database versions not stated): gnomAD exomes below 0.00001; ExAC 0.00001.
gnomAD v4.1: 1 of 1,614,142 alleles (0.000062%); highest among the groups gnomAD compares: South Asian, 0.0011%; no homozygotes.

Submission:

Labcorp Genetics (formerly Invitae), Labcorp
Classification: Uncertain significance for Very long chain acyl-CoA dehydrogenase deficiency. Last evaluated: 2018-10-18. Review status: criteria provided, single submitter. Criteria: Invitae Variant Classification Sherloc (09022015). Collection method: clinical testing. Allele origin: germline.
Comment: Algorithms developed to predict the effect of missense changes on protein structure and function (SIFT, PolyPhen-2, Align-GVGD) all suggest that this variant is likely to be disruptive, but these predictions have not been confirmed by published functional studies and their clinical significance is uncertain. In summary, the available evidence is currently insufficient to determine the role of this variant in disease. Therefore, it has been classified as a Variant of Uncertain Significance. This variant has not been reported in the literature in individuals with ACADVL-related disease. This variant is present in population databases (rs762631117, ExAC 0.006%). This sequence change replaces glycine with glutamic acid at codon 245 of the ACADVL protein (p.Gly245Glu). The glycine residue is highly conserved and there is a moderate physicochemical difference between glycine and glutamic acid.

NM_000018.4(ACADVL):c.734G>A (p.Gly245Glu)

Gene: ACADVL (acyl-CoA dehydrogenase very long chain; plus strand). Cytogenetic location: 17p13.1.
Variant type: single nucleotide variant.
Coding change: c.734G>A on transcript NM_000018.4 (MANE Select); coding-DNA position 734, G replaced by A.
Protein change: p.Gly245Glu; replaces glycine 245 with glutamic acid.
Molecular consequence: missense variant.
Genome position (GRCh38, 1-based): chr17:7,222,063, G>A. VCF-style: chr17-7222063-G-A. GRCh37 (hg19) VCF-style: chr17-7125382-G-A.
Other names: c.668G>A, p.Gly223Glu (NM_001033859.3); c.803G>A, p.Gly268Glu (NM_001270447.2); c.506G>A, p.Gly169Glu (NM_001270448.2); short protein forms G169E, G245E, G268E, G223E.
Identifiers: ClinVar variation 665366 (VCV000665366.7), dbSNP rs762631117, ClinGen allele CA8337821.
Genomic context (GRCh38, chr17:7,222,063, plus strand): 5'-CAGCCTCCATCCGAACCTCTGCTGTGCCCAGCCCCTGTGGAAAATACTATACCCTCAATG[G>A]AAGCAAGCTTTGGATCAGGCAACCTGCCTCCCATTTCTCCCCTTCTCCTCCGCCCAATTC-3'
Protein context (NP_000009.1, residues 235-255): SPCGKYYTLN[Gly245Glu]SKLWISNGGL